The following is an entry in ClinVar:

NM_000059.4(BRCA2):c.1308G>C (p.Lys436Asn)

Gene: BRCA2 (BRCA2 DNA repair associated; plus strand). Cytogenetic location: 13q13.1.
Variant type: single nucleotide variant.
Coding change: c.1308G>C on transcript NM_000059.4 (MANE Select); coding-DNA position 1308, G replaced by C.
Protein change: p.Lys436Asn; replaces lysine 436 with asparagine.
Molecular consequence: missense variant.
Genome position (GRCh38, 1-based): chr13:32,332,786, G>C. VCF-style: chr13-32332786-G-C. GRCh37 (hg19) VCF-style: chr13-32906923-G-C.
Other names: short protein forms K436N.
Identifiers: ClinVar variation 818874 (VCV000818874.6), dbSNP rs1593892488, ClinGen allele CA387762592.

ClinVar aggregate classification (germline): Conflicting classifications of pathogenicity. Review status: criteria provided, conflicting classifications (1 of 4 stars). 2 submissions from 2 submitters: Uncertain significance (1); Likely benign (1). Last evaluated 2023-03-23.

Conditions:
Hereditary cancer-predisposing syndrome. Also called: Tumor predisposition; Hereditary neoplastic syndrome; Neoplastic Syndromes, Hereditary; Hereditary Cancer Syndrome. Identifiers: Orphanet 140162, MedGen C0027672, MeSH D009386, MONDO:0015356.

Submissions (2):

University of Washington Department of Laboratory Medicine, University of Washington
Classification: Likely benign for Hereditary cancer-predisposing syndrome. Last evaluated: 2023-03-23. Review status: criteria provided, single submitter. Criteria: Dines et al. (Genet Med. 2020). Collection method: curation. Allele origin: germline.
Comment: Missense variant in a coldspot region where missense variants are very unlikely to be pathogenic (PMID:31911673).

BRCA2 exon 10 coldspot. Reclassification based on statistical prior probability.

Ambry Genetics
Classification: Uncertain significance for Hereditary cancer-predisposing syndrome. Last evaluated: 2019-11-20. Review status: criteria provided, single submitter. Criteria: Ambry Variant Classification Scheme 2023. Collection method: clinical testing. Allele origin: germline.
Comment: The p.K436N variant (also known as c.1308G>C), located in coding exon 9 of the BRCA2 gene, results from a G to C substitution at nucleotide position 1308. The lysine at codon 436 is replaced by asparagine, an amino acid with similar properties. This amino acid position is highly conserved in available vertebrate species. In addition, this alteration is predicted to be tolerated by in silico analysis. Since supporting evidence is limited at this time, the clinical significance of this alteration remains unclear.